The following is an entry in ClinVar:

NM_006371.5(CRTAP):c.331G>T (p.Gly111Cys)

Gene: CRTAP (cartilage associated protein; plus strand). Cytogenetic location: 3p22.3.
Variant type: single nucleotide variant.
Coding change: c.331G>T on transcript NM_006371.5 (MANE Select); coding-DNA position 331, G replaced by T.
Protein change: p.Gly111Cys; replaces glycine 111 with cysteine.
Molecular consequence: missense variant.
Genome position (GRCh38, 1-based): chr3:33,114,408, G>T. VCF-style: chr3-33114408-G-T. GRCh37 (hg19) VCF-style: chr3-33155900-G-T.
Other names: c.331G>T, p.Gly111Cys (NM_001393363.1, NM_001393364.1, NM_001393365.1); short protein forms G111C.
Identifiers: ClinVar variation 2162298 (VCV002162298.3), dbSNP rs1237951051, ClinGen allele CA352008634.

ClinVar aggregate classification (germline): Uncertain significance. Review status: criteria provided, multiple submitters, no conflicts (2 of 4 stars). 2 submissions from 2 submitters: Uncertain significance (2). Last evaluated 2024-03-17.

Conditions:
Osteogenesis imperfecta type 7 (OI7). Also called: OI type 7; OI type VII; OSTEOGENESIS IMPERFECTA, TYPE IIB; Osteogenesis imperfecta type 2B; OI type 2B; Osteogenesis imperfecta, perinatal lethal autosomal recessive. Identifiers: MedGen C1853162, MONDO:0012536, OMIM 610682.

Allele frequency attached by ClinVar (database versions not stated): gnomAD 0.00006.
gnomAD v4.1: 13 of 1,543,028 alleles (0.00084%); highest among the groups gnomAD compares: African/African-American, 0.017%; no homozygotes.

Submissions (2):

Labcorp Genetics (formerly Invitae), Labcorp
Classification: Uncertain significance for Osteogenesis imperfecta type 7. Last evaluated: 2024-03-17. Review status: criteria provided, single submitter. Criteria: Invitae Variant Classification Sherloc (09022015). Collection method: clinical testing. Allele origin: germline.
Comment: This sequence change replaces glycine, which is neutral and non-polar, with cysteine, which is neutral and slightly polar, at codon 111 of the CRTAP protein (p.Gly111Cys). The frequency data for this variant in the population databases is considered unreliable, as metrics indicate poor data quality at this position in the gnomAD database. This variant has not been reported in the literature in individuals affected with CRTAP-related conditions. ClinVar contains an entry for this variant (Variation ID: 2162298). Advanced modeling of protein sequence and biophysical properties (such as structural, functional, and spatial information, amino acid conservation, physicochemical variation, residue mobility, and thermodynamic stability) performed at Invitae indicates that this missense variant is not expected to disrupt CRTAP protein function with a negative predictive value of 80%. In summary, the available evidence is currently insufficient to determine the role of this variant in disease. Therefore, it has been classified as a Variant of Uncertain Significance.

GeneDx
Classification: Uncertain significance. Last evaluated: 2022-11-09. Review status: criteria provided, single submitter. Criteria: GeneDx Variant Classification Process June 2021. Collection method: clinical testing. Allele origin: germline. Affected: yes.
Comment: In silico analysis supports that this missense variant does not alter protein structure/function; Has not been previously published as pathogenic or benign to our knowledge